The following is an entry in ClinVar:

ClinVar aggregate classification (germline): Likely benign. Review status: criteria provided, multiple submitters, no conflicts (2 of 4 stars). 3 submissions from 3 submitters: Likely benign (2). 1 of the submissions does not count toward it. Last evaluated 2024-12-09.

Conditions:
Cardiovascular phenotype. Identifiers: MedGen CN230736.
ZNF469-related disorder. Also called: ZNF469-related condition.

Allele frequency attached by ClinVar (database versions not stated): gnomAD exomes 0.00001.
gnomAD v4.1: 16 of 1,550,102 alleles (0.001%); highest among the groups gnomAD compares: Non-Finnish European, 0.0013%; no homozygotes.

Submissions (3):

Labcorp Genetics (formerly Invitae), Labcorp
Classification: Likely benign. Last evaluated: 2024-12-09. Review status: criteria provided, single submitter. Criteria: Invitae Variant Classification Sherloc (09022015). Collection method: clinical testing. Allele origin: germline.

Ambry Genetics
Classification: Likely benign for Cardiovascular phenotype. Last evaluated: 2022-05-06. Review status: criteria provided, single submitter. Criteria: Ambry Variant Classification Scheme 2023. Collection method: clinical testing. Allele origin: germline.

PreventionGenetics, part of Exact Sciences
Classification: Likely benign for ZNF469-related condition. Last evaluated: 2020-08-19. Review status: no assertion criteria provided. Collection method: clinical testing. Allele origin: germline. Not counted in ClinVar's aggregate classification.
Comment: This variant is classified as likely benign based on ACMG/AMP sequence variant interpretation guidelines (Richards et al. 2015 PMID: 25741868, with internal and published modifications).

NM_001367624.2(ZNF469):c.11736C>T (p.His3912=)

Gene: ZNF469 (zinc finger protein 469; plus strand). Cytogenetic location: 16q24.2.
Variant type: single nucleotide variant.
Coding change: c.11736C>T on transcript NM_001367624.2 (MANE Select); coding-DNA position 11736, C replaced by T.
Protein change: p.His3912=; no amino-acid change (histidine 3912 retained).
Molecular consequence: synonymous variant.
Genome position (GRCh38, 1-based): chr16:88,439,206, C>T. VCF-style: chr16-88439206-C-T. GRCh37 (hg19) VCF-style: chr16-88505614-C-T.
Other names: NM_001127464.1:c.11652C>T; NM_001127464.2:c.11652C>T.
Identifiers: ClinVar variation 1737929 (VCV001737929.7), dbSNP rs1906831914, ClinGen allele CA497359680.